The following is an entry in ClinVar:

ClinVar aggregate classification (germline): Uncertain significance (1 of 4 stars; one submission).

Conditions:
Hereditary cancer-predisposing syndrome. Also called: Tumor predisposition; Hereditary Cancer Syndrome; Hereditary neoplastic syndrome; Neoplastic Syndromes, Hereditary. Identifiers: Orphanet 140162, MedGen C0027672, MeSH D009386, MONDO:0015356.

Submission:

Ambry Genetics
Classification: Uncertain significance for Hereditary cancer-predisposing syndrome. Last evaluated: 2024-05-28. Review status: criteria provided, single submitter. Criteria: Ambry Variant Classification Scheme 2023. Collection method: clinical testing. Allele origin: germline.
Comment: The p.I404N variant (also known as c.1211T>A), located in coding exon 9 of the APC gene, results from a T to A substitution at nucleotide position 1211. The isoleucine at codon 404 is replaced by asparagine, an amino acid with dissimilar properties. This amino acid position is conserved. In addition, in silico predictors for this gene do not accurately predict pathogenicity. Based on the available evidence, the clinical significance of this variant remains unclear.

NM_000038.6(APC):c.1211T>A (p.Ile404Asn)

Gene: APC (APC regulator of Wnt signaling pathway; plus strand). Cytogenetic location: 5q22.2.
Variant type: single nucleotide variant.
Coding change: c.1211T>A on transcript NM_000038.6 (MANE Select); coding-DNA position 1211, T replaced by A.
Protein change: p.Ile404Asn; replaces isoleucine 404 with asparagine.
Molecular consequence: missense variant. On other transcripts: intron variant (15), non-coding transcript variant (2).
Genome position (GRCh38, 1-based): chr5:112,819,243, T>A. VCF-style: chr5-112819243-T-A. GRCh37 (hg19) VCF-style: chr5-112154940-T-A.
Other names: c.934-26T>A (NM_001407460.1, NM_001407457.1, NM_001407458.1 and 5 more transcripts); c.850-26T>A (NM_001407469.1, NM_001407467.1); c.964-26T>A (NM_001354902.2); c.859-26T>A (NM_001354904.2); c.85-26T>A (NM_001407471.1, NM_001407472.1); c.757-26T>A (NM_001354905.2); c.1211T>A, p.Ile404Asn (NM_001127510.3, NM_001354895.2, NM_001354896.2 and 4 more transcripts); c.1157T>A, p.Ile386Asn (NM_001127511.3); and 5 more; short protein forms I386N, I345N, I414N, I121N, I376N, I379N, I404N.
Identifiers: ClinVar variation 3305490 (VCV003305490.1).
Genomic context (GRCh38, chr5:112,819,243, plus strand): 5'-GTGCAGCACTCCACAACATCATTCACTCACAGCCTGATGACAAGAGAGGCAGGCGTGAAA[T>A]CCGAGTCCTTCATCTTTTGGAACAGATACGCGCTTACTGTGAAACCTGTTGGGAGTGGCA-3'
Protein context (NP_000029.2, residues 394-414): QPDDKRGRRE[Ile404Asn]RVLHLLEQIR